The following is an entry in ClinVar:

ClinVar aggregate classification (germline): Uncertain significance. Review status: criteria provided, multiple submitters, no conflicts (2 of 4 stars). 5 submissions from 5 submitters: Uncertain significance (5). Last evaluated 2026-07-07.

Conditions:
Cardiovascular phenotype. Identifiers: MedGen CN230736.
Catecholaminergic polymorphic ventricular tachycardia (CVPT). Also called: Catecholamine-induced polymorphic ventricular tachycardia. Identifiers: Orphanet 3286, MedGen C5574922, MONDO:0017990.
Cardiomyopathy (CMYO). Also called: Cardiomyopathies. Identifiers: Orphanet 167848, MedGen C0878544, MONDO:0004994, HP:0001638. Inheritance: Various modes of inheritance.

Allele frequency attached by ClinVar (database versions not stated): gnomAD exomes below 0.00001.
gnomAD v4.1: 1 of 1,600,502 alleles (0.000062%); highest among the groups gnomAD compares: East Asian, 0.0022%; no homozygotes.

Submissions (5):

Ambry Genetics
Classification: Uncertain significance for Cardiovascular phenotype. Last evaluated: 2026-07-07. Review status: criteria provided, single submitter. Criteria: Ambry Variant Classification Scheme 2023. Collection method: clinical testing. Allele origin: germline.
Comment: The p.V4528A variant (also known as c.13583T>C), located in coding exon 94 of the RYR2 gene, results from a T to C substitution at nucleotide position 13583. The valine at codon 4528 is replaced by alanine, an amino acid with similar properties. This amino acid position is conserved. In addition, this alteration is predicted to be tolerated by in silico analysis. Based on the available evidence, the clinical significance of this variant remains unclear.

GeneDx
Classification: Uncertain significance. Last evaluated: 2024-08-25. Review status: criteria provided, single submitter. Criteria: GeneDx Variant Classification Process June 2021. Collection method: clinical testing. Allele origin: germline. Affected: yes.
Comment: Has not been previously published as pathogenic or benign to our knowledge; Not observed at significant frequency in large population cohorts (gnomAD); In silico analysis indicates that this missense variant does not alter protein structure/function; Located in one of the three hot-spot regions of the RYR2 gene, where the majority of pathogenic missense variants occur (PMID: 19926015); This variant is associated with the following publications: (PMID: 19926015)

All of Us Research Program, National Institutes of Health
Classification: Uncertain significance for Catecholaminergic polymorphic ventricular tachycardia. Last evaluated: 2024-07-20. Review status: criteria provided, single submitter. Criteria: ACMG Guidelines, 2015. Collection method: clinical testing. Allele origin: germline. Inheritance: Autosomal dominant inheritance. Observed: 1 variant allele, 1 heterozygote.
Comment: This missense variant replaces valine with alanine at codon 4528 of the RYR2 protein. Computational prediction suggests that this variant may not impact protein structure and function (internally defined REVEL score threshold <= 0.5, PMID: 27666373). To our knowledge, functional studies have not been reported for this variant. This variant has not been reported in individuals affected with RYR2-related disorders in the literature. This variant has been identified in 1/227444 chromosomes in the general population by the Genome Aggregation Database (gnomAD). The available evidence is insufficient to determine the role of this variant in disease conclusively. Therefore, this variant is classified as a Variant of Uncertain Significance.

This study involves interpretation of variants in research participants for the purpose of population health screening. Participant phenotype was not available at the time of variant classification. Additional details can be found in publication PMID: 35346344, PMCID: PMC8962531

Color Diagnostics, LLC DBA Color Health
Classification: Uncertain significance for Cardiomyopathy. Last evaluated: 2024-07-02. Review status: criteria provided, single submitter. Criteria: ACMG Guidelines, 2015. Collection method: clinical testing. Allele origin: germline.
Comment: This missense variant replaces valine with alanine at codon 4528 of the RYR2 protein. Computational prediction suggests that this variant may not impact protein structure and function. To our knowledge, functional studies have not been reported for this variant. This variant has not been reported in individuals affected with RYR2-related disorders in the literature. This variant has been identified in 1/227444 chromosomes in the general population by the Genome Aggregation Database (gnomAD). The available evidence is insufficient to determine the role of this variant in disease conclusively. Therefore, this variant is classified as a Variant of Uncertain Significance.

Revvity Omics, Revvity
Classification: Uncertain significance. Last evaluated: 2023-03-30. Review status: criteria provided, single submitter. Criteria: ACMG Guidelines, 2015. Collection method: clinical testing. Allele origin: germline.

NM_001035.3(RYR2):c.13583T>C (p.Val4528Ala)

Gene: RYR2 (ryanodine receptor 2; plus strand). Cytogenetic location: 1q43.
Variant type: single nucleotide variant.
Coding change: c.13583T>C on transcript NM_001035.3 (MANE Select); coding-DNA position 13583, T replaced by C.
Protein change: p.Val4528Ala; replaces valine 4528 with alanine.
Molecular consequence: missense variant.
Genome position (GRCh38, 1-based): chr1:237,792,124, T>C. VCF-style: chr1-237792124-T-C. GRCh37 (hg19) VCF-style: chr1-237955424-T-C.
Other names: short protein forms V4528A.
Identifiers: ClinVar variation 1320925 (VCV001320925.8), dbSNP rs1451756883, ClinGen allele CA345417293.